The following is an entry in ClinVar:

ClinVar aggregate classification (germline): Benign/Likely benign. Review status: criteria provided, multiple submitters, no conflicts (2 of 4 stars). 3 submissions from 3 submitters: Benign (2); Likely benign (1). Last evaluated 2026-02-04.

Conditions:
Diabetes insipidus, nephrogenic, X-linked. Also called: Nephrogenic Diabetes Insipidus, Type I. Identifiers: Orphanet 223, MedGen C1563705, MONDO:0010581, OMIM 304800.

Allele frequency attached by ClinVar (database versions not stated): gnomAD exomes 0.00075 and 0.00193; ExAC 0.00245; 1000 Genomes Project 0.00609; 1000 Genomes Project 30x 0.00624; gnomAD 0.00768 and 0.00833; ESP Exome Variant Server 0.00833; TOPMed 0.00834.
gnomAD v4.1: 1,718 of 1,211,000 alleles (0.14%); highest among the groups gnomAD compares: African/African-American, 2.6%; 13 homozygotes.

Submissions (3):

Labcorp Genetics (formerly Invitae), Labcorp
Classification: Benign. Last evaluated: 2026-02-04. Review status: criteria provided, single submitter. Criteria: Invitae Variant Classification Sherloc (09022015). Collection method: clinical testing. Allele origin: germline.

Mayo Clinic Laboratories, Mayo Clinic
Classification: Benign. Last evaluated: 2024-12-13. Review status: criteria provided, single submitter. Criteria: ACMG Guidelines, 2015. Collection method: clinical testing. Allele origin: germline. Observed: 1 variant allele.
Comment: BS1, BS2, BP4

Illumina Laboratory Services, Illumina
Classification: Likely benign for Diabetes insipidus, nephrogenic, X-linked. Last evaluated: 2017-04-27. Review status: criteria provided, single submitter. Criteria: ICSL Variant Classification Criteria 13 December 2019. Collection method: clinical testing. Allele origin: germline.
Comment: This variant was observed as part of a predisposition screen in an ostensibly healthy population. A literature search was performed for the gene, cDNA change, and amino acid change (where applicable). Publications were found based on this search. The evidence from the literature, in combination with allele frequency data from public databases where available, was sufficient to determine this variant is unlikely to cause disease. Therefore, this variant is classified as likely benign.

Literature cited by the submitters: PubMed 10820168 (cited by Mayo Clinic Laboratories, Mayo Clinic and Illumina Laboratory Services, Illumina); PubMed 18726898 (cited by Mayo Clinic Laboratories, Mayo Clinic and Illumina Laboratory Services, Illumina).

NM_000054.7(AVPR2):c.754C>T (p.Arg252Trp)

Gene: AVPR2 (arginine vasopressin receptor 2; plus strand). Cytogenetic location: Xq28.
Variant type: single nucleotide variant.
Coding change: c.754C>T on transcript NM_000054.7 (MANE Select); coding-DNA position 754, C replaced by T.
Protein change: p.Arg252Trp; replaces arginine 252 with tryptophan.
Molecular consequence: missense variant. On other transcripts: non-coding transcript variant (1).
Genome position (GRCh38, 1-based): chrX:153,906,260, C>T. VCF-style: chrX-153906260-C-T. GRCh37 (hg19) VCF-style: chrX-153171714-C-T.
Other names: c.754C>T, p.Arg252Trp (NM_001146151.3); c.754C>T (NM_000054.6); short protein forms R252W.
Identifiers: ClinVar variation 368076 (VCV000368076.14), dbSNP rs61733407, ClinGen allele CA10555064.